The following is an entry in ClinVar:

ClinVar aggregate classification (germline): Benign/Likely benign. Review status: criteria provided, multiple submitters, no conflicts (2 of 4 stars). 3 submissions from 3 submitters: Benign (2); Likely benign (1). Last evaluated 2022-04-12.

Conditions:
3M syndrome 2. Also called: 3-M Syndrome, OBSL1-Related; THREE M SYNDROME 2. Identifiers: Orphanet 2616, MedGen C2752041, MONDO:0013039, OMIM 612921.

Allele frequency attached by ClinVar (database versions not stated): gnomAD 0.00052 and 0.00089; TOPMed 0.00087; ExAC 0.00157; 1000 Genomes Project 30x 0.00453; 1000 Genomes Project 0.00479.
gnomAD v4.1: 1,829 of 1,613,834 alleles (0.11%); highest among the groups gnomAD compares: East Asian, 3.6%; 38 homozygotes.

Submissions (3):

Fulgent Genetics
Classification: Likely benign for 3M syndrome 2. Last evaluated: 2022-04-12. Review status: criteria provided, single submitter. Criteria: ACMG Guidelines, 2015. Collection method: clinical testing. Allele origin: unknown.

Labcorp Genetics (formerly Invitae), Labcorp
Classification: Benign. Last evaluated: 2019-12-31. Review status: criteria provided, single submitter. Criteria: Invitae Variant Classification Sherloc (09022015). Collection method: clinical testing. Allele origin: germline.

Illumina Laboratory Services, Illumina
Classification: Benign for 3M syndrome 2. Last evaluated: 2017-04-27. Review status: criteria provided, single submitter. Criteria: ICSL Variant Classification Criteria 13 December 2019. Collection method: clinical testing. Allele origin: germline.
Comment: This variant was observed as part of a predisposition screen in an ostensibly healthy population. A literature search was performed for the gene, cDNA change, and amino acid change (where applicable). No publications were found based on this search. Allele frequency data from public databases was too high to be consistent with this variant causing disease. Therefore, this variant is classified as benign.

NM_015311.3(OBSL1):c.2577G>T (p.Gly859=)

Gene: OBSL1 (obscurin like cytoskeletal adaptor 1; minus strand). Cytogenetic location: 2q35.
Variant type: single nucleotide variant.
Coding change: c.2577G>T on transcript NM_015311.3 (MANE Select); coding-DNA position 2577, G replaced by T.
Protein change: p.Gly859=; no amino-acid change (glycine 859 retained).
Molecular consequence: synonymous variant.
Genome position (GRCh38, 1-based): chr2:219,563,458, C>A on the plus strand (G>T on the coding strand, the complement: OBSL1 is on the minus strand). VCF-style: chr2-219563458-C-A. GRCh37 (hg19) VCF-style: chr2-220428180-C-A.
Other names: c.2577G>T, p.Gly859= (NM_001173408.2, NM_001173431.2).
Identifiers: ClinVar variation 717901 (VCV000717901.9), dbSNP rs141559295, ClinGen allele CA2131178.